The following is an entry in ClinVar:

ClinVar aggregate classification (germline): Conflicting classifications of pathogenicity. Review status: criteria provided, conflicting classifications (1 of 4 stars). 5 submissions from 5 submitters: Uncertain significance (4); Likely benign (1). Last evaluated 2025-12-26.

Conditions:
Hereditary cancer-predisposing syndrome. Also called: Tumor predisposition; Hereditary neoplastic syndrome; Neoplastic Syndromes, Hereditary; Hereditary Cancer Syndrome. Identifiers: Orphanet 140162, MedGen C0027672, MeSH D009386, MONDO:0015356.
Retinoblastoma (RB1). Also called: RETINOBLASTOMA, SOMATIC. Identifiers: Orphanet 790, MedGen C0035335, MeSH D012175, MONDO:0008380, OMIM 180200, HP:0009919. Disease mechanism: loss of function. Inheritance: Both sporadic and heritable forms are tested..

Allele frequency attached by ClinVar (database versions not stated): gnomAD exomes below 0.00001; TOPMed below 0.00001; ExAC 0.00001.
gnomAD v4.1: 3 of 1,588,942 alleles (0.00019%); highest among the groups gnomAD compares: Non-Finnish European, 0.00026%; no homozygotes.

Submissions (5):

Labcorp Genetics (formerly Invitae), Labcorp
Classification: Likely benign for Retinoblastoma. Last evaluated: 2025-12-26. Review status: criteria provided, single submitter. Criteria: Invitae Variant Classification Sherloc (09022015). Collection method: clinical testing. Allele origin: germline.

Ambry Genetics
Classification: Uncertain significance for Hereditary cancer-predisposing syndrome. Last evaluated: 2024-09-24. Review status: criteria provided, single submitter. Criteria: Ambry Variant Classification Scheme 2023. Collection method: clinical testing. Allele origin: germline.
Comment: The p.S499N variant (also known as c.1496G>A), located in coding exon 16 of the RB1 gene, results from a G to A substitution at nucleotide position 1496. The serine at codon 499 is replaced by asparagine, an amino acid with highly similar properties. This amino acid position is poorly conserved in available vertebrate species. In addition, this alteration is predicted to be tolerated by in silico analysis. Since supporting evidence is limited at this time, the clinical significance of this alteration remains unclear.

All of Us Research Program, National Institutes of Health
Classification: Uncertain significance for Retinoblastoma. Last evaluated: 2024-09-23. Review status: criteria provided, single submitter. Criteria: ACMG Guidelines, 2015. Collection method: clinical testing. Allele origin: germline. Inheritance: Autosomal dominant inheritance. Observed: 3 variant alleles, 3 heterozygotes.
Comment: This missense variant replaces serine with asparagine at codon 499 of the RB1 protein. Computational prediction suggests that this variant may not impact protein structure and function (internally defined REVEL score threshold <= 0.5, PMID: 27666373). To our knowledge, functional studies have not been reported for this variant. This variant has not been reported in individuals affected with RB1-related disorders in the literature. This variant has been identified in 1/245720 chromosomes in the general population by the Genome Aggregation Database (gnomAD). The available evidence is insufficient to determine the role of this variant in disease conclusively. Therefore, this variant is classified as a Variant of Uncertain Significance.

This study involves interpretation of variants in research participants for the purpose of population health screening. Participant phenotype was not available at the time of variant classification. Additional details can be found in publication PMID: 35346344, PMCID: PMC8962531

Color Diagnostics, LLC DBA Color Health
Classification: Uncertain significance for Retinoblastoma. Last evaluated: 2024-09-17. Review status: criteria provided, single submitter. Criteria: ACMG Guidelines, 2015. Collection method: clinical testing. Allele origin: germline.
Comment: This missense variant replaces serine with asparagine at codon 499 of the RB1 protein. Computational prediction suggests that this variant may not impact protein structure and function. To our knowledge, functional studies have not been reported for this variant. This variant has not been reported in individuals affected with RB1-related disorders in the literature. This variant has been identified in 1/245720 chromosomes in the general population by the Genome Aggregation Database (gnomAD). The available evidence is insufficient to determine the role of this variant in disease conclusively. Therefore, this variant is classified as a Variant of Uncertain Significance.

GeneDx
Classification: Uncertain significance. Last evaluated: 2022-04-01. Review status: criteria provided, single submitter. Criteria: GeneDx Variant Classification Process June 2021. Collection method: clinical testing. Allele origin: germline. Affected: yes.
Comment: Not observed at significant frequency in large population cohorts (gnomAD); In silico analysis supports that this missense variant does not alter protein structure/function; Has not been previously published as pathogenic or benign to our knowledge

NM_000321.3(RB1):c.1496G>A (p.Ser499Asn)

Gene: RB1 (RB transcriptional corepressor 1; plus strand). Cytogenetic location: 13q14.2.
Variant type: single nucleotide variant.
Coding change: c.1496G>A on transcript NM_000321.3 (MANE Select); coding-DNA position 1496, G replaced by A.
Protein change: p.Ser499Asn; replaces serine 499 with asparagine.
Molecular consequence: missense variant.
Genome position (GRCh38, 1-based): chr13:48,380,239, G>A. VCF-style: chr13-48380239-G-A. GRCh37 (hg19) VCF-style: chr13-48954375-G-A.
Other names: short protein forms S499N.
Identifiers: ClinVar variation 846883 (VCV000846883.15), dbSNP rs774706300, ClinGen allele CA028947.